The following is an entry in ClinVar:

ClinVar aggregate classification (germline): Likely pathogenic. Review status: criteria provided, multiple submitters, no conflicts (2 of 4 stars). 3 submissions from 3 submitters: Likely pathogenic (3). Last evaluated 2024-08-20.

Conditions:
Neuronal ceroid lipofuscinosis. Also called: Neuronal Ceroid Lipofuscinoses. Identifiers: Orphanet 216, Orphanet 79263, MedGen C0027877, MONDO:0016295. Disease mechanism: loss of function.
Neuronal ceroid lipofuscinosis 10 (CLN10). Also called: CTSD-Related Neuronal Ceroid-Lipofuscinosis; NEURONAL CEROID LIPOFUSCINOSIS DUE TO CATHEPSIN D DEFICIENCY. Identifiers: Orphanet 228337, MedGen C1864669, MONDO:0012414, OMIM 610127.
CTSD-related disorder. Also called: CTSD-related condition.

gnomAD v4.1: 6 of 1,613,712 alleles (0.00037%); highest among the groups gnomAD compares: Non-Finnish European, 0.00042%; no homozygotes.

Submissions (3):

Blueprint Genetics
Classification: Likely pathogenic for CTSD-related disorders. Last evaluated: 2024-08-20. Review status: criteria provided, single submitter. Criteria: ACMG Guidelines, 2015. Collection method: clinical testing. Allele origin: germline. Affected: yes. Observed: 1 variant allele.

Labcorp Genetics (formerly Invitae), Labcorp
Classification: Likely pathogenic for Neuronal ceroid lipofuscinosis. Last evaluated: 2023-03-08. Review status: criteria provided, single submitter. Criteria: Invitae Variant Classification Sherloc (09022015). Collection method: clinical testing. Allele origin: germline.
Comment: In summary, the currently available evidence indicates that the variant is pathogenic, but additional data are needed to prove that conclusively. Therefore, this variant has been classified as Likely Pathogenic. Algorithms developed to predict the effect of sequence changes on RNA splicing suggest that this variant may disrupt the consensus splice site. This sequence change affects a donor splice site in intron 2 of the CTSD gene. It is expected to disrupt RNA splicing. Variants that disrupt the donor or acceptor splice site typically lead to a loss of protein function (PMID: 16199547), and loss-of-function variants in CTSD are known to be pathogenic (PMID: 16670177, 26059544). This variant is present in population databases (rs766300396, gnomAD 0.0009%). This variant has not been reported in the literature in individuals affected with CTSD-related conditions. ClinVar contains an entry for this variant (Variation ID: 1489005).

Juno Genomics, Hangzhou Juno Genomics, Inc
Classification: Likely pathogenic for Neuronal ceroid lipofuscinosis 10. Review status: criteria provided, single submitter. Criteria: ACMG Guidelines, 2015. Collection method: clinical testing. Allele origin: germline.
Comment: Null variant in a gene where loss of function (LOF) is a known mechanism of disease.;Absent from controls (or at extremely low frequency if recessive) in Genome Aggregation Database.

Literature cited by the submitters: PubMed 16199547 (cited by Labcorp Genetics (formerly Invitae), Labcorp); PubMed 16670177 (cited by Labcorp Genetics (formerly Invitae), Labcorp); PubMed 26059544 (cited by Labcorp Genetics (formerly Invitae), Labcorp).

NM_001909.5(CTSD):c.228+1G>A

Genes: CTSD (cathepsin D; minus strand), PRADX (PRC2 and DDX5 associated lncRNA; plus strand). Cytogenetic location: 11p15.5.
Variant type: single nucleotide variant.
Coding change: c.228+1G>A on transcript NM_001909.5 (MANE Select); the canonical splice donor site of the intron after coding-DNA position 228, G replaced by A.
Molecular consequence: splice donor variant.
Genome position (GRCh38, 1-based): chr11:1,761,308, C>T on the plus strand (G>A on the coding strand, the complement: CTSD is on the minus strand). VCF-style: chr11-1761308-C-T. GRCh37 (hg19) VCF-style: chr11-1782538-C-T.
Identifiers: ClinVar variation 1489005 (VCV001489005.9), dbSNP rs766300396, ClinGen allele CA5814267.